The following is an entry in ClinVar:

ClinVar aggregate classification (germline): Uncertain significance (1 of 4 stars; one submission).

Submission:

Ambry Genetics
Classification: Uncertain significance. Last evaluated: 2025-09-23. Review status: criteria provided, single submitter. Criteria: Ambry Variant Classification Scheme 2023. Collection method: clinical testing. Allele origin: germline.
Comment: The c.1239_1250del12 variant (also known as p.P414_V417del) is located in coding exon 8 of the ATRIP gene. This variant results from an in-frame TCCTGGAGCCGT deletion at nucleotide positions 1239 to 1250. This results in the in-frame deletion of four amino acids at codons 414 to 417. This amino acid region is generally well conserved in available vertebrate species. The evidence for this gene-disease relationship is limited; therefore, the clinical significance of this alteration is unclear.

NM_130384.3(ATRIP):c.1239_1250del (p.Pro414_Val417del)

Genes: ATRIP (ATR interacting protein; plus strand), ATRIP-TREX1 (ATRIP-TREX1 readthrough; plus strand). Cytogenetic location: 3p21.31.
Variant type: Deletion.
Coding change: c.1239_1250del on transcript NM_130384.3 (MANE Select); coding-DNA positions 1239 to 1250, 12 bases deleted (TCCTGGAGCCGT).
Protein change: p.Pro414_Val417del.
Molecular consequence: inframe deletion. On other transcripts: non-coding transcript variant (1).
Genome position (GRCh38, 1-based): chr3:48,460,293-48,460,304, TCCTGGAGCCGT deleted; deleting any 12 consecutive bases within chr3:48,460,292-48,460,304 gives the same sequence; the c. name uses the placement nearest the transcript's 3' end. VCF-style (leftmost placement, unchanged base first): chr3-48460291-CTTCCTGGAGCCG-C. GRCh37 (hg19) VCF-style: chr3-48501690-CTTCCTGGAGCCG-C.
Other names: c.1239_1250del, p.Pro414_Val417del (NM_032166.4); c.858_869del, p.Pro287_Val290del (NM_001271022.2); c.960_971del, p.Pro321_Val324del (NM_001271023.2).
Identifiers: ClinVar variation 4644514 (VCV004644514.1).
Genomic context (GRCh38, chr3:48,460,291, plus strand): 5'-GAGTGCTCACGTGATGGAGACCCAGCAGAGGGAGGCAGAAGGGCCTTCCCACTCTGCCAG[CTTCCTGGAGCCG>C]TGCATTTCCTCCCCCTTGTACAGTTCTTCATCGGCTTACACTGCCAGGCCCTGCAGGACT-3'